The following is an entry in ClinVar:

NM_000175.5(GPI):c.603C>G (p.Pro201=)

Gene: GPI (glucose-6-phosphate isomerase; plus strand). Cytogenetic location: 19q13.11.
Variant type: single nucleotide variant.
Coding change: c.603C>G on transcript NM_000175.5 (MANE Select); coding-DNA position 603, C replaced by G.
Protein change: p.Pro201=; no amino-acid change (proline 201 retained).
Molecular consequence: synonymous variant.
Genome position (GRCh38, 1-based): chr19:34,377,851, C>G. VCF-style: chr19-34377851-C-G. GRCh37 (hg19) VCF-style: chr19-34868756-C-G.
Other names: p.Pro201=; c.636C>G, p.Pro212= (NM_001184722.1); c.720C>G, p.Pro240= (NM_001289789.1); c.519C>G, p.Pro173= (NM_001289790.3); c.603C>G, p.Pro201= (NM_001329909.1, NM_001329910.1, NM_001329911.2); c.603C>G (NM_000175.4).
Identifiers: ClinVar variation 780175 (VCV000780175.43), dbSNP rs1062480, ClinGen allele CA9367109.

ClinVar aggregate classification (germline): Benign/Likely benign. Review status: criteria provided, multiple submitters, no conflicts (2 of 4 stars). 7 submissions from 7 submitters: Benign (2); Likely benign (5). Last evaluated 2026-03-01.

Conditions:
GPI-related disorder. Also called: GPI-related condition.
Hemolytic anemia due to glucophosphate isomerase deficiency (CNSHA4). Also called: ANEMIA, CONGENITAL, NONSPHEROCYTIC HEMOLYTIC, 4. Identifiers: Orphanet 712, MedGen C0272064, MONDO:0013275, OMIM 613470.

Allele frequency attached by ClinVar (database versions not stated): 1000 Genomes Project 30x 0.00078; 1000 Genomes Project 0.00080; TOPMed 0.00341; ESP Exome Variant Server 0.00369.
gnomAD v4.1: 7,140 of 1,614,112 alleles (0.44%); highest among the groups gnomAD compares: Non-Finnish European, 0.55%; 19 homozygotes.

Submissions (7):

CeGaT Center for Human Genetics Tuebingen
Classification: Likely benign. Last evaluated: 2026-03-01. Review status: criteria provided, single submitter. Criteria: CeGaT Center For Human Genetics Tuebingen Variant Classification Criteria Version 2. Collection method: clinical testing. Allele origin: germline. Affected: yes. Observed: 3 variant alleles.
Comment: GPI: BP4, BP7, BS2

Labcorp Genetics (formerly Invitae), Labcorp
Classification: Benign. Last evaluated: 2026-01-03. Review status: criteria provided, single submitter. Criteria: Invitae Variant Classification Sherloc (09022015). Collection method: clinical testing. Allele origin: germline.

ARUP Laboratories, Molecular Genetics and Genomics, ARUP Laboratories
Classification: Likely benign for Hemolytic anemia due to glucophosphate isomerase deficiency. Last evaluated: 2024-12-13. Review status: criteria provided, single submitter. Criteria: ARUP Molecular Germline Variant Investigation Process 2024. Collection method: clinical testing. Allele origin: germline.

Blueprint Genetics
Classification: Likely benign. Last evaluated: 2024-11-19. Review status: criteria provided, single submitter. Criteria: ACMG Guidelines, 2015. Collection method: clinical testing. Allele origin: germline.

PreventionGenetics, part of Exact Sciences
Classification: Likely benign for GPI-related condition. Last evaluated: 2024-10-17. Review status: criteria provided, single submitter. Criteria: ACMG Guidelines, 2015. Collection method: clinical testing. Allele origin: germline.
Comment: This variant is classified as likely benign based on ACMG/AMP sequence variant interpretation guidelines (Richards et al. 2015 PMID: 25741868, with internal and published modifications).

Mayo Clinic Laboratories, Mayo Clinic
Classification: Likely benign. Last evaluated: 2024-03-06. Review status: criteria provided, single submitter. Criteria: ACMG Guidelines, 2015. Collection method: clinical testing. Allele origin: germline. Observed: 12 variant alleles.

Breakthrough Genomics
Classification: Benign. Review status: criteria provided, single submitter. Criteria: ACMG Guidelines, 2015. Collection method: not provided. Allele origin: germline. Inheritance: Autosomal recessive inheritance. Affected: yes.